The following is an entry in ClinVar:

ClinVar aggregate classification (germline): Uncertain significance (1 of 4 stars; one submission).

Conditions:
Sclerosteosis 2 (SOST2). Identifiers: Orphanet 3152, MedGen C3280402, MONDO:0013679, OMIM 614305.
Congenital myasthenic syndrome 17. Identifiers: Orphanet 590, MedGen C4225377, MONDO:0014578, OMIM 616304.
Cenani-Lenz syndactyly syndrome. Also called: CENANI SYNDACTYLISM; SYNDACTYLY, TYPE VII. Identifiers: Orphanet 3258, MedGen C1859309, MONDO:0008931, OMIM 212780.

Submission:

Labcorp Genetics (formerly Invitae), Labcorp
Classification: Uncertain significance for Cenani-Lenz syndactyly syndrome; Sclerosteosis 2; Congenital myasthenic syndrome 17. Last evaluated: 2021-09-02. Review status: criteria provided, single submitter. Criteria: Invitae Variant Classification Sherloc (09022015). Collection method: clinical testing. Allele origin: germline.
Comment: This sequence change replaces leucine with phenylalanine at codon 690 of the LRP4 protein (p.Leu690Phe). The leucine residue is highly conserved and there is a small physicochemical difference between leucine and phenylalanine. This variant is not present in population databases (ExAC no frequency). This variant has not been reported in the literature in individuals affected with LRP4-related conditions. Algorithms developed to predict the effect of missense changes on protein structure and function are either unavailable or do not agree on the potential impact of this missense change (SIFT: "Deleterious"; PolyPhen-2: "Benign"; Align-GVGD: "Class C15"). In summary, the available evidence is currently insufficient to determine the role of this variant in disease. Therefore, it has been classified as a Variant of Uncertain Significance.

NM_002334.4(LRP4):c.2070G>C (p.Leu690Phe)

Gene: LRP4 (LDL receptor related protein 4; minus strand). Cytogenetic location: 11p11.2.
Variant type: single nucleotide variant.
Coding change: c.2070G>C on transcript NM_002334.4 (MANE Select); coding-DNA position 2070, G replaced by C.
Protein change: p.Leu690Phe; replaces leucine 690 with phenylalanine.
Molecular consequence: missense variant.
Genome position (GRCh38, 1-based): chr11:46,889,966, C>G on the plus strand (G>C on the coding strand, the complement: LRP4 is on the minus strand). VCF-style: chr11-46889966-C-G. GRCh37 (hg19) VCF-style: chr11-46911517-C-G.
Other names: short protein forms L690F.
Identifiers: ClinVar variation 1428884 (VCV001428884.5), dbSNP rs2134837991, ClinGen allele CA380281676.